The following is an entry in ClinVar:

NM_130837.3(OPA1):c.556+1G>A

Gene: OPA1 (OPA1 mitochondrial dynamin like GTPase; plus strand). Cytogenetic location: 3q29.
Variant type: single nucleotide variant.
Coding change: c.556+1G>A on transcript NM_130837.3 (MANE Select); the canonical splice donor site of the intron after coding-DNA position 556, G replaced by A.
Molecular consequence: splice donor variant. On other transcripts: intron variant (5).
Genome position (GRCh38, 1-based): chr3:193,617,286, G>A. VCF-style: chr3-193617286-G-A. GRCh37 (hg19) VCF-style: chr3-193335075-G-A.
Other names: c.184+1G>A (NM_001354664.2); c.76+1516G>A (NM_001354663.2); c.556+1G>A (NM_130834.3, NM_130836.3, NM_015560.3); c.449-498G>A (NM_130835.3, NM_130832.3); c.448+1516G>A (NM_130833.3, NM_130831.3).
Identifiers: ClinVar variation 692000 (VCV000692000.2), dbSNP rs1577162868, ClinGen allele CA355787776.

ClinVar aggregate classification (germline): Pathogenic/Likely pathogenic. Review status: criteria provided, multiple submitters, no conflicts (2 of 4 stars). 2 submissions from 2 submitters: Pathogenic (1); Likely pathogenic (1). Last evaluated 2025-03-04.

Conditions:
Optic atrophy with or without deafness, ophthalmoplegia, myopathy, ataxia, and neuropathy. Also called: OPTIC ATROPHY PLUS SYNDROME. Identifiers: MedGen C3276549, MONDO:0007429, OMIM 125250.

Submissions (2):

Labcorp Genetics (formerly Invitae), Labcorp
Classification: Likely pathogenic. Last evaluated: 2025-03-04. Review status: criteria provided, single submitter. Criteria: Invitae Variant Classification Sherloc (09022015). Collection method: clinical testing. Allele origin: germline.
Comment: This sequence change affects a donor splice site in intron 4 of the OPA1 gene. It is expected to disrupt RNA splicing. Variants that disrupt the donor or acceptor splice site typically lead to a loss of protein function (PMID: 16199547), and loss-of-function variants in OPA1 are known to be pathogenic (PMID: 11440988, 20157015, 20952381, 25012220). This variant is not present in population databases (gnomAD no frequency). Disruption of this splice site has been observed in individual(s) with clinical features of OPA1-related conditions (PMID: 31564432). ClinVar contains an entry for this variant (Variation ID: 692000). Algorithms developed to predict the effect of sequence changes on RNA splicing suggest that this variant may disrupt the consensus splice site. In summary, the currently available evidence indicates that the variant is pathogenic, but additional data are needed to prove that conclusively. Therefore, this variant has been classified as Likely Pathogenic.

Rady Children's Institute for Genomic Medicine, Rady Children's Hospital San Diego
Classification: Pathogenic for OPTIC ATROPHY WITH OR WITHOUT DEAFNESS, OPHTHALMOPLEGIA, MYOPATHY, ATAXIA, AND NEUROPATHY. Last evaluated: 2017-12-13. Review status: criteria provided, single submitter. Criteria: ACMG Guidelines, 2015. Collection method: clinical testing. Allele origin: germline. Affected: yes. Observed: 1 variant allele.
Comment: This canonical splice donor variant is predicted to alter the function of the protein. This variant is absent from population databases, thus it is presumed to be rare. The genomic position is highly conserved and in silico splicing algorithms predict the variant alters splicing mechanisms. Although this variant has not been previously reported in the literature to our knowledge, a similar pathogenic splice site variant located adjacent (c.556+2T>G) has been previously reported and splice site variants are well established as disease causing in the OPA1 gene (PMID: 26867657). Based on the combined evidence, the c.556+1G>A variant is classified as pathogenic.

Literature cited by the submitters: PubMed 16199547 (cited by Labcorp Genetics (formerly Invitae), Labcorp); PubMed 11440988 (cited by Labcorp Genetics (formerly Invitae), Labcorp); PubMed 20157015 (cited by Labcorp Genetics (formerly Invitae), Labcorp); PubMed 20952381 (cited by Labcorp Genetics (formerly Invitae), Labcorp); PubMed 25012220 (cited by Labcorp Genetics (formerly Invitae), Labcorp); PubMed 31564432 (cited by Labcorp Genetics (formerly Invitae), Labcorp).